The following is an entry in ClinVar:

ClinVar aggregate classification (germline): Pathogenic (1 of 4 stars; one submission).

Conditions:
MYO6-related disorder. Also called: MYO6-related condition; MYO6-related disorders.

Submission:

Women's Health and Genetics/Laboratory Corporation of America, LabCorp
Classification: Pathogenic for MYO6-Related Disorders. Last evaluated: 2026-01-22. Review status: criteria provided, single submitter. Criteria: LabCorp Variant Classification Summary - May 2015. Collection method: clinical testing. Allele origin: germline.
Comment: Variant summary: MYO6 c.2393G>A (p.Trp798X) results in a premature termination codon, predicted to cause a truncation of the encoded protein or absence of the protein due to nonsense mediated decay, which are commonly known mechanisms for disease. The variant was absent in 251480 control chromosomes. c.2393G>A has been observed in heterozygous individuals affected with MYO6-Related Disorders (e.g. Uehara_2022). These data indicate that the variant may be associated with disease. To our knowledge, no experimental evidence demonstrating an impact on protein function has been reported. The following publication has been ascertained in the context of this evaluation (PMID: 34824372). No submitters have cited clinical-significance assessments for this variant to ClinVar. Based on the evidence outlined above, the variant was classified as pathogenic.

Literature cited by the submitters: PubMed 34824372.

NM_004999.4(MYO6):c.2393G>A (p.Trp798Ter)

Gene: MYO6 (myosin VI; plus strand). Cytogenetic location: 6q14.1.
Variant type: single nucleotide variant.
Coding change: c.2393G>A on transcript NM_004999.4 (MANE Select); coding-DNA position 2393, G replaced by A.
Protein change: p.Trp798Ter; replaces tryptophan 798 with a stop codon.
Molecular consequence: nonsense. On other transcripts: non-coding transcript variant (1).
Genome position (GRCh38, 1-based): chr6:75,881,795, G>A. VCF-style: chr6-75881795-G-A. GRCh37 (hg19) VCF-style: chr6-76591512-G-A.
Other names: c.2393G>A, p.Trp798Ter (NM_001300899.2, NM_001368136.1, NM_001368137.1 and 2 more transcripts); c.2378G>A, p.Trp793Ter (NM_001368138.1); short protein forms W793*, W798*.
Identifiers: ClinVar variation 4689090 (VCV004689090.1).
Genomic context (GRCh38, chr6:75,881,795, plus strand): 5'-CAGAGTTGGTTAAAAGAGTCAATCACTGGCTCACATGCAGTCGCTGGAAGAAAGTTCAGT[G>A]GTGCTCACTCTCAGTCATCAAATGTAGGTGTTTTCCTTTACACCTATAGGATCTTTCATT-3'